The following is an entry in ClinVar:

NM_025215.6(PUS1):c.1237-175A>G

Gene: PUS1 (pseudouridine synthase 1; plus strand). Cytogenetic location: 12q24.33.
Variant type: single nucleotide variant.
Coding change: c.1237-175A>G on transcript NM_025215.6 (MANE Select); 175 bases into the intron before coding-DNA position 1237, A replaced by G.
Molecular consequence: intron variant.
Genome position (GRCh38, 1-based): chr12:131,943,364, A>G. VCF-style: chr12-131943364-A-G. GRCh37 (hg19) VCF-style: chr12-132427909-A-G.
Other names: c.1153-175A>G (NM_001002019.3, NM_001002020.3).
Identifiers: ClinVar variation 683631 (VCV000683631.2), dbSNP rs7961398, ClinGen allele CA246188972.
Genomic context (GRCh38, chr12:131,943,364, plus strand): 5'-AGGATGTGAAGGAGCCCAACAAAGGCCCCTCTAGTGTCCCCAGCCCTTGGCTTTCCCTGC[A>G]CAGGTTCCTGACCTGGTTAAGAGAATGACCGAGAACAAACACCAGACTCTGCTCCTGATG-3'

ClinVar aggregate classification (germline): Benign. Review status: criteria provided, multiple submitters, no conflicts (2 of 4 stars). 2 submissions from 2 submitters: Benign (2). Last evaluated 2018-06-14.

Allele frequency attached by ClinVar (database versions not stated): 1000 Genomes Project 30x 0.99157; 1000 Genomes Project 0.99181; TOPMed 0.99238; gnomAD 0.99247 and 0.99296.

Submissions (2):

GeneDx
Classification: Benign. Last evaluated: 2018-06-14. Review status: criteria provided, single submitter. Criteria: GeneDx Variant Classification (06012015). Collection method: clinical testing. Allele origin: germline. Affected: yes.
Comment: This variant is considered likely benign or benign based on one or more of the following criteria: it is a conservative change, it occurs at a poorly conserved position in the protein, it is predicted to be benign by multiple in silico algorithms, and/or has population frequency not consistent with disease.

Breakthrough Genomics
Classification: Benign. Review status: criteria provided, single submitter. Criteria: ACMG Guidelines, 2015. Collection method: not provided. Allele origin: germline. Inheritance: Autosomal recessive inheritance. Affected: yes.